The following is an entry in ClinVar:

NM_000116.5(TAFAZZIN):c.562G>A (p.Glu188Lys)

Gene: TAFAZZIN (tafazzin, phospholipid-lysophospholipid transacylase; plus strand). Cytogenetic location: Xq28.
Variant type: single nucleotide variant.
Coding change: c.562G>A on transcript NM_000116.5 (MANE Select); coding-DNA position 562, G replaced by A.
Protein change: p.Glu188Lys; replaces glutamic acid 188 with lysine.
Molecular consequence: missense variant. On other transcripts: non-coding transcript variant (1), intron variant (3).
Genome position (GRCh38, 1-based): chrX:154,419,725, G>A. VCF-style: chrX-154419725-G-A. GRCh37 (hg19) VCF-style: chrX-153648064-G-A.
Other names: c.472G>A, p.Glu158Lys (NM_181311.4); c.595+102G>A (NM_001303465.2); c.541+102G>A (NM_181312.4); c.451+102G>A (NM_181313.4); short protein forms E158K, E188K.
Identifiers: ClinVar variation 647988 (VCV000647988.8), dbSNP rs375663114, ClinGen allele CA10562374.
Genomic context (GRCh38, chrX:154,419,725, plus strand): 5'-GGATGGGCTCCCAAGCCTCGCCTCTGTGCTCTCTCACCAGGGAAAGTGAACATGAGTTCC[G>A]AATTCCTGCGTTTCAAGTGGGGTAAGGGCTGCTGGTCTCTGGCCACAGCCATCCTCCCGG-3'
Protein context (NP_000107.1, residues 178-198): FPEGKVNMSS[Glu188Lys]FLRFKWGIGR

ClinVar aggregate classification (germline): Uncertain significance. Review status: criteria provided, multiple submitters, no conflicts (2 of 4 stars). 2 submissions from 2 submitters: Uncertain significance (2). Last evaluated 2025-08-13.

Conditions:
Cardiovascular phenotype. Identifiers: MedGen CN230736.
3-Methylglutaconic aciduria type 2 (BTHS). Also called: Barth syndrome; CARDIOSKELETAL MYOPATHY WITH NEUTROPENIA AND ABNORMAL MITOCHONDRIA. Identifiers: Orphanet 111, MedGen C0574083, MONDO:0010543, OMIM 302060.

Allele frequency attached by ClinVar (database versions not stated): gnomAD exomes below 0.00001 and 0.00002; ExAC 0.00003; TOPMed 0.00008; ESP Exome Variant Server 0.00009; gnomAD 0.00011 and 0.00012.

Submissions (2):

Labcorp Genetics (formerly Invitae), Labcorp
Classification: Uncertain significance for 3-Methylglutaconic aciduria type 2. Last evaluated: 2025-08-13. Review status: criteria provided, single submitter. Criteria: Invitae Variant Classification Sherloc (09022015). Collection method: clinical testing. Allele origin: germline.
Comment: This sequence change replaces glutamic acid, which is acidic and polar, with lysine, which is basic and polar, at codon 188 of the TAZ protein (p.Glu188Lys). This variant is present in population databases (rs375663114, gnomAD 0.02%). This variant has not been reported in the literature in individuals affected with TAZ-related conditions. ClinVar contains an entry for this variant (Variation ID: 647988). An algorithm developed to predict the effect of missense changes on protein structure and function (PolyPhen-2) suggests that this variant is likely to be tolerated. Algorithms developed to predict the effect of sequence changes on RNA splicing suggest that this variant may disrupt the consensus splice site. In summary, the available evidence is currently insufficient to determine the role of this variant in disease. Therefore, it has been classified as a Variant of Uncertain Significance.

Ambry Genetics
Classification: Uncertain significance for Cardiovascular phenotype. Last evaluated: 2022-02-08. Review status: criteria provided, single submitter. Criteria: Ambry Variant Classification Scheme 2023. Collection method: clinical testing. Allele origin: germline.
Comment: The p.E188K variant (also known as c.562G>A), located in coding exon 7 of the TAZ gene, results from a G to A substitution at nucleotide position 562. The glutamic acid at codon 188 is replaced by lysine, an amino acid with similar properties. Based on data from gnomAD, the A allele has an overall frequency of 0.0016% (3/183438) total alleles studied, with no hemizygotes observed. The highest observed frequency was 0.0228% (3/13151) of African/African American alleles. This amino acid position is highly conserved in available vertebrate species. In addition, this alteration is predicted to be deleterious by in silico analysis. Since supporting evidence is limited at this time, the clinical significance of this alteration remains unclear.